The following is an entry in ClinVar:

ClinVar aggregate classification (germline): Benign (1 of 4 stars; one submission).

Conditions:
Familial cancer of breast. Also called: hereditary breast carcinoma; Hereditary breast cancer; BREAST CANCER, FAMILIAL. Identifiers: Orphanet 227535, MedGen C0346153, MONDO:0016419, OMIM 114480. Disease mechanism: loss of function.

Submission:

Myriad Genetics, Inc.
Classification: Benign for Familial cancer of breast. Last evaluated: 2024-08-09. Review status: criteria provided, single submitter. Criteria: Myriad Autosomal Dominant, Autosomal Recessive and X-Linked Classification Criteria (2023). Collection method: clinical testing. Allele origin: unknown.
Comment: This variant is considered benign. This variant is a silent/synonymous amino acid change and it is not expected to impact splicing.

NM_032043.3(BRIP1):c.45T>C (p.Ile15=)

Gene: BRIP1 (BRCA1 interacting DNA helicase 1; minus strand). Cytogenetic location: 17q23.2.
Variant type: single nucleotide variant.
Coding change: c.45T>C on transcript NM_032043.3 (MANE Select); coding-DNA position 45, T replaced by C.
Protein change: p.Ile15=; no amino-acid change (isoleucine 15 retained).
Molecular consequence: synonymous variant.
Genome position (GRCh38, 1-based): chr17:61,861,495, A>G on the plus strand (T>C on the coding strand, the complement: BRIP1 is on the minus strand). VCF-style: chr17-61861495-A-G. GRCh37 (hg19) VCF-style: chr17-59938856-A-G.
Identifiers: ClinVar variation 3379330 (VCV003379330.1).